The following is an entry in ClinVar:

NM_001355436.2(SPTB):c.189G>A (p.Trp63Ter)

Gene: SPTB (spectrin beta, erythrocytic; minus strand). Cytogenetic location: 14q23.3.
Variant type: single nucleotide variant.
Coding change: c.189G>A on transcript NM_001355436.2 (MANE Select); coding-DNA position 189, G replaced by A.
Protein change: p.Trp63Ter; replaces tryptophan 63 with a stop codon.
Molecular consequence: nonsense.
Genome position (GRCh38, 1-based): chr14:64,805,050, C>T on the plus strand (G>A on the coding strand, the complement: SPTB is on the minus strand). VCF-style: chr14-64805050-C-T. GRCh37 (hg19) VCF-style: chr14-65271768-C-T.
Other names: c.189G>A, p.Trp63Ter (NM_001024858.4, NM_001355437.2); c.189G>A (NM_001024858.3); short protein forms W63*.
Identifiers: ClinVar variation 2007754 (VCV002007754.7), dbSNP rs2503227366, ClinGen allele CA390036130.

ClinVar aggregate classification (germline): Pathogenic/Likely pathogenic. Review status: criteria provided, multiple submitters, no conflicts (2 of 4 stars). 4 submissions from 4 submitters: Pathogenic (3); Likely pathogenic (1). Last evaluated 2026-01-12.

Conditions:
Hereditary spherocytosis type 2. Also called: SPHEROCYTOSIS, TYPE 2, AUTOSOMAL DOMINANT. Identifiers: Orphanet 822, MedGen C2674219, MONDO:0000913, OMIM 616649.

Submissions (4):

Variantyx, Inc.
Classification: Likely pathogenic for Hereditary spherocytosis type 2. Last evaluated: 2026-01-12. Review status: criteria provided, single submitter. Criteria: Variantyx Assertion Criteria 2022. Collection method: clinical testing. Allele origin: germline. Inheritance: Autosomal dominant inheritance. Affected: yes.
Comment: This is a nonsense variant in the SPTB gene (OMIM: 182870). Pathogenic variants in this gene have been associated with autosomal dominant spherocytosis, type 2. This variant introduces a premature termination codon in exon 3 out of 36 and is expected to result in loss of function, which is a known disease mechanism for SPTB in this disorder (PMID: 26830532) (PVS1). This variant is absent from control populations (PM2). Based on the current evidence, this variant is classified as likely pathogenic for autosomal dominant spherocytosis, type 2.

Johns Hopkins Genomics, Johns Hopkins University
Classification: Pathogenic for Hereditary spherocytosis type 2. Last evaluated: 2024-06-27. Review status: criteria provided, single submitter. Criteria: ACMG Guidelines, 2015. Collection method: clinical testing. Allele origin: germline.
Comment: This SPTB variant is absent from a large population dataset. It has been reported in ClinVar (Variation ID 2007754), but has not been reported in the literature, to our knowledge. This nonsense variant results in a premature stop codon in exon 2 of 36, likely leading to nonsense-mediated decay and lack of protein production. We consider c.189G>A in SPTB to be pathogenic.

Genomic Medicine Center of Excellence, King Faisal Specialist Hospital and Research Centre
Classification: Pathogenic for Hereditary spherocytosis type 2. Last evaluated: 2024-03-26. Review status: criteria provided, single submitter. Criteria: ACMG Guidelines, 2015. Collection method: clinical testing. Allele origin: germline.

Labcorp Genetics (formerly Invitae), Labcorp
Classification: Pathogenic. Last evaluated: 2022-06-17. Review status: criteria provided, single submitter. Criteria: Invitae Variant Classification Sherloc (09022015). Collection method: clinical testing. Allele origin: germline.
Comment: This sequence change creates a premature translational stop signal (p.Trp63*) in the SPTB gene. It is expected to result in an absent or disrupted protein product. Loss-of-function variants in SPTB are known to be pathogenic (PMID: 1391962, 1498324, 8844207, 26830532, 27292444). This variant is not present in population databases (gnomAD no frequency). This variant has not been reported in the literature in individuals affected with SPTB-related conditions. For these reasons, this variant has been classified as Pathogenic.

Literature cited by the submitters: PubMed 26830532 (cited by 3 submitters); PubMed 1391962 (cited by Johns Hopkins Genomics, Johns Hopkins University and Labcorp Genetics (formerly Invitae), Labcorp); PubMed 1498324 (cited by Johns Hopkins Genomics, Johns Hopkins University and Labcorp Genetics (formerly Invitae), Labcorp); PubMed 27292444 (cited by Johns Hopkins Genomics, Johns Hopkins University and Labcorp Genetics (formerly Invitae), Labcorp); PubMed 35099593 (cited by Johns Hopkins Genomics, Johns Hopkins University); PubMed 8844207 (cited by Johns Hopkins Genomics, Johns Hopkins University and Labcorp Genetics (formerly Invitae), Labcorp).